The following is an entry in ClinVar:

ClinVar aggregate classification (germline): Conflicting classifications of pathogenicity. Review status: criteria provided, conflicting classifications (1 of 4 stars). 3 submissions from 3 submitters: Uncertain significance (1); Benign (1); Likely benign (1). Last evaluated 2024-11-29.

Conditions:
Hereditary cancer-predisposing syndrome. Also called: Neoplastic Syndromes, Hereditary; Hereditary Cancer Syndrome; Tumor predisposition; Hereditary neoplastic syndrome. Identifiers: Orphanet 140162, MedGen C0027672, MeSH D009386, MONDO:0015356.

Allele frequency attached by ClinVar (database versions not stated): TOPMed 0.00003; ESP Exome Variant Server 0.00023; gnomAD exomes 0.00035 and 0.00084; gnomAD 0.00071 and 0.00076; ExAC 0.00072.
gnomAD v4.1: 612 of 1,613,666 alleles (0.038%); highest among the groups gnomAD compares: Non-Finnish European, 0.0036%; 3 homozygotes.

Submissions (3):

Ambry Genetics
Classification: Uncertain significance for Hereditary cancer-predisposing syndrome. Last evaluated: 2024-11-29. Review status: criteria provided, single submitter. Criteria: Ambry Variant Classification Scheme 2023. Collection method: clinical testing. Allele origin: germline.
Comment: The p.D515G variant (also known as c.1544A>G), located in coding exon 10 of the RAD50 gene, results from an A to G substitution at nucleotide position 1544. The aspartic acid at codon 515 is replaced by glycine, an amino acid with similar properties. This variant was reported in 1/19 individuals diagnosed with triple negative breast cancer (Spugnesi L et al. Genes Chromosomes Cancer. 2016 Dec;55:915-924). This amino acid position is highly conserved in available vertebrate species. In addition, this alteration is predicted to be deleterious by in silico analysis. Based on the available evidence, the clinical significance of this variant remains unclear.

Blueprint Genetics
Classification: Likely benign. Last evaluated: 2024-11-15. Review status: criteria provided, single submitter. Criteria: ACMG Guidelines, 2015. Collection method: clinical testing. Allele origin: germline.

Labcorp Genetics (formerly Invitae), Labcorp
Classification: Benign for Hereditary cancer-predisposing syndrome. Last evaluated: 2023-09-26. Review status: criteria provided, single submitter. Criteria: Invitae Variant Classification Sherloc (09022015). Collection method: clinical testing. Allele origin: germline.

Literature cited by the submitters: PubMed 21356067 (cited by Ambry Genetics); PubMed 27328445 (cited by Ambry Genetics).

NM_005732.4(RAD50):c.1544A>G (p.Asp515Gly)

Gene: RAD50 (RAD50 double strand break repair protein; plus strand). Cytogenetic location: 5q31.1.
Variant type: single nucleotide variant.
Coding change: c.1544A>G on transcript NM_005732.4 (MANE Select); coding-DNA position 1544, A replaced by G.
Protein change: p.Asp515Gly; replaces aspartic acid 515 with glycine.
Molecular consequence: missense variant.
Genome position (GRCh38, 1-based): chr5:132,591,315, A>G. VCF-style: chr5-132591315-A-G. GRCh37 (hg19) VCF-style: chr5-131927007-A-G.
Other names: short protein forms D515G.
Identifiers: ClinVar variation 232958 (VCV000232958.19), dbSNP rs145843634, ClinGen allele CA3405192.